The following is an entry in ClinVar:

ClinVar aggregate classification (germline): Uncertain significance (1 of 4 stars; one submission).

Conditions:
Hereditary cancer-predisposing syndrome. Also called: Hereditary neoplastic syndrome; Neoplastic Syndromes, Hereditary; Tumor predisposition; Hereditary Cancer Syndrome. Identifiers: Orphanet 140162, MedGen C0027672, MeSH D009386, MONDO:0015356.

Submission:

Ambry Genetics
Classification: Uncertain significance for Hereditary cancer-predisposing syndrome. Last evaluated: 2025-08-27. Review status: criteria provided, single submitter. Criteria: Ambry Variant Classification Scheme 2023. Collection method: clinical testing. Allele origin: germline.
Comment: The p.G325R variant (also known as c.973G>C), located in coding exon 11 of the MUTYH gene, results from a G to C substitution at nucleotide position 973. The glycine at codon 325 is replaced by arginine, an amino acid with dissimilar properties. This amino acid position is conserved. In addition, this alteration is predicted to be tolerated by in silico analysis. Based on the available evidence, the clinical significance of this variant remains unclear.

NM_001048174.2(MUTYH):c.889G>C (p.Gly297Arg)

Gene: MUTYH (mutY DNA glycosylase; minus strand). Cytogenetic location: 1p34.1.
Variant type: single nucleotide variant.
Coding change: c.889G>C on transcript NM_001048174.2 (MANE Select); coding-DNA position 889, G replaced by C.
Protein change: p.Gly297Arg; replaces glycine 297 with arginine.
Molecular consequence: missense variant. On other transcripts: non-coding transcript variant (7).
Genome position (GRCh38, 1-based): chr1:45,332,047, C>G on the plus strand (G>C on the coding strand, the complement: MUTYH is on the minus strand). VCF-style: chr1-45332047-C-G. GRCh37 (hg19) VCF-style: chr1-45797719-C-G.
Other names: c.973G>C, p.Gly325Arg (NM_001128425.2); c.934G>C, p.Gly312Arg (NM_001293190.2); c.922G>C, p.Gly308Arg (NM_001293191.2, NM_001407069.1, NM_001407077.1); c.613G>C, p.Gly205Arg (NM_001293192.2, NM_001293196.2, NM_001407091.1); c.889G>C, p.Gly297Arg (NM_001293195.2, NM_001407081.1, NM_001407088.1 and 6 more transcripts); c.544G>C, p.Gly182Arg (NM_001350650.2, NM_001350651.2, NM_001407082.1); c.931G>C, p.Gly311Arg (NM_001407083.1, NM_001407085.1); c.892G>C, p.Gly298Arg (NM_001407086.1, NM_001048172.2, NM_001407071.1 and 1 more transcripts); and 5 more; short protein forms G284R, G298R, G312R, G325R, G205R, G297R, G269R, G283R.
Identifiers: ClinVar variation 4113971 (VCV004113971.1).